The following is an entry in ClinVar:

NM_004793.4(LONP1):c.1368-3C>T

Gene: LONP1 (lon peptidase 1, mitochondrial; minus strand). Cytogenetic location: 19p13.3.
Variant type: single nucleotide variant.
Coding change: c.1368-3C>T on transcript NM_004793.4 (MANE Select); 3 bases into the intron before coding-DNA position 1368, C replaced by T.
Molecular consequence: intron variant.
Genome position (GRCh38, 1-based): chr19:5,700,930, G>A on the plus strand (C>T on the coding strand, the complement: LONP1 is on the minus strand). VCF-style: chr19-5700930-G-A. GRCh37 (hg19) VCF-style: chr19-5700941-G-A.
Other names: c.780-3C>T (NM_001276480.1); c.1176-3C>T (NM_001276479.2).
Identifiers: ClinVar variation 4692564 (VCV004692564.1).

ClinVar aggregate classification (germline): Uncertain significance (1 of 4 stars; one submission).

gnomAD v4.1: 3 of 1,614,114 alleles (0.00019%); highest among the groups gnomAD compares: South Asian, 0.0022%; no homozygotes.

Submission:

Labcorp Genetics (formerly Invitae), Labcorp
Classification: Uncertain significance. Last evaluated: 2025-09-10. Review status: criteria provided, single submitter. Criteria: Invitae Variant Classification Sherloc (09022015). Collection method: clinical testing. Allele origin: germline.
Comment: This sequence change falls in intron 8 of the LONP1 gene. It does not directly change the encoded amino acid sequence of the LONP1 protein. It affects a nucleotide within the consensus splice site. This variant is not present in population databases (gnomAD no frequency). This variant has not been reported in the literature in individuals affected with LONP1-related conditions. Variants that disrupt the consensus splice site are a relatively common cause of aberrant splicing (PMID: 17576681, 9536098). Algorithms developed to predict the effect of sequence changes on RNA splicing suggest that this variant is not likely to affect RNA splicing. In summary, the available evidence is currently insufficient to determine the role of this variant in disease. Therefore, it has been classified as a Variant of Uncertain Significance.

Literature cited by the submitters: PubMed 17576681; PubMed 9536098.